The following is an entry in ClinVar:

ClinVar aggregate classification (germline): Uncertain significance. Review status: criteria provided, multiple submitters, no conflicts (2 of 4 stars). 2 submissions from 2 submitters: Uncertain significance (2). Last evaluated 2024-07-17.

Conditions:
Birt-Hogg-Dube syndrome. Also called: Birt Hogg Dubé syndrome. Identifiers: Orphanet 122, MedGen C0346010, MONDO:0800444.
Hereditary cancer-predisposing syndrome. Also called: Neoplastic Syndromes, Hereditary; Hereditary neoplastic syndrome; Hereditary Cancer Syndrome; Tumor predisposition. Identifiers: Orphanet 140162, MedGen C0027672, MeSH D009386, MONDO:0015356.

Allele frequency attached by ClinVar (database versions not stated): gnomAD 0.00002.
gnomAD v4.1: 3 of 1,614,020 alleles (0.00019%); highest among the groups gnomAD compares: African/African-American, 0.004%; no homozygotes.

Submissions (2):

Labcorp Genetics (formerly Invitae), Labcorp
Classification: Uncertain significance for Birt-Hogg-Dube syndrome. Last evaluated: 2024-07-17. Review status: criteria provided, single submitter. Criteria: Invitae Variant Classification Sherloc (09022015). Collection method: clinical testing. Allele origin: germline.
Comment: This sequence change replaces proline, which is neutral and non-polar, with serine, which is neutral and polar, at codon 74 of the FLCN protein (p.Pro74Ser). This variant is present in population databases (no rsID available, gnomAD 0.01%). This variant has not been reported in the literature in individuals affected with FLCN-related conditions. ClinVar contains an entry for this variant (Variation ID: 655357). Advanced modeling of protein sequence and biophysical properties (such as structural, functional, and spatial information, amino acid conservation, physicochemical variation, residue mobility, and thermodynamic stability) performed at Invitae indicates that this missense variant is not expected to disrupt FLCN protein function with a negative predictive value of 80%. In summary, the available evidence is currently insufficient to determine the role of this variant in disease. Therefore, it has been classified as a Variant of Uncertain Significance.

Ambry Genetics
Classification: Uncertain significance for Hereditary cancer-predisposing syndrome. Last evaluated: 2024-02-15. Review status: criteria provided, single submitter. Criteria: Ambry Variant Classification Scheme 2023. Collection method: clinical testing. Allele origin: germline.
Comment: The p.P74S variant (also known as c.220C>T), located in coding exon 1 of the FLCN gene, results from a C to T substitution at nucleotide position 220. The proline at codon 74 is replaced by serine, an amino acid with similar properties. This amino acid position is well conserved in available vertebrate species. In addition, this alteration is predicted to be tolerated by in silico analysis. Based on the available evidence, the clinical significance of this alteration remains unclear.

NM_144997.7(FLCN):c.220C>T (p.Pro74Ser)

Gene: FLCN (folliculin; minus strand). Cytogenetic location: 17p11.2.
Variant type: single nucleotide variant.
Coding change: c.220C>T on transcript NM_144997.7 (MANE Select); coding-DNA position 220, C replaced by T.
Protein change: p.Pro74Ser; replaces proline 74 with serine.
Molecular consequence: missense variant.
Genome position (GRCh38, 1-based): chr17:17,227,918, G>A on the plus strand (C>T on the coding strand, the complement: FLCN is on the minus strand). VCF-style: chr17-17227918-G-A. GRCh37 (hg19) VCF-style: chr17-17131232-G-A.
Other names: c.220C>T (LRG_325t1); c.220C>T, p.Pro74Ser (NM_001353229.2, NM_001353230.2, NM_001353231.2 and 1 more transcripts); short protein forms P74S.
Identifiers: ClinVar variation 655357 (VCV000655357.9), dbSNP rs1432861054, ClinGen allele CA398535072.
Genomic context (GRCh38, chr17:17,227,918, plus strand): 5'-ATCACAAAACCAAGACCCCAAAGACACTTGCCTCGCACATGTCCGACTTTTTGGGCCCCG[G>A]GCTGCTGGACTCGACGCTGGCCCCCTCTGCGGGGCTGTGCGCACGCATCCGACTGTTCAT-3'
Protein context (NP_659434.2, residues 64-84): AEGASVESSS[Pro74Ser]GPKKSDMCEG